The following is an entry in ClinVar:

ClinVar aggregate classification (germline): Uncertain significance. Review status: criteria provided, multiple submitters, no conflicts (2 of 4 stars). 4 submissions from 4 submitters: Uncertain significance (4). Last evaluated 2024-11-12.

Conditions:
Hereditary breast ovarian cancer syndrome. Also called: Hereditary breast and ovarian cancer; Hereditary breast and ovarian cancer syndrome; BRCA1- and BRCA2-Associated Hereditary Breast and Ovarian Cancer; Hereditary breast and ovarian cancer syndrome (HBOC); Breast and ovarian cancer; Hereditary breast and/or ovarian cancer syndrome. Identifiers: Orphanet 145, MedGen C0677776, MeSH D061325, MONDO:0003582. Disease mechanism: loss of function.
Hereditary cancer-predisposing syndrome. Also called: Hereditary Cancer Syndrome; Tumor predisposition; Neoplastic Syndromes, Hereditary; Hereditary neoplastic syndrome. Identifiers: Orphanet 140162, MedGen C0027672, MeSH D009386, MONDO:0015356.

Submissions (4):

Labcorp Genetics (formerly Invitae), Labcorp
Classification: Uncertain significance for Hereditary breast ovarian cancer syndrome. Last evaluated: 2024-11-12. Review status: criteria provided, single submitter. Criteria: Invitae Variant Classification Sherloc (09022015). Collection method: clinical testing. Allele origin: germline.
Comment: This sequence change replaces proline, which is neutral and non-polar, with leucine, which is neutral and non-polar, at codon 145 of the BRCA1 protein (p.Pro145Leu). This variant is not present in population databases (gnomAD no frequency). This variant has not been reported in the literature in individuals affected with BRCA1-related conditions. ClinVar contains an entry for this variant (Variation ID: 279704). Invitae Evidence Modeling of protein sequence and biophysical properties (such as structural, functional, and spatial information, amino acid conservation, physicochemical variation, residue mobility, and thermodynamic stability) has been performed for this missense variant. However, the output from this modeling did not meet the statistical confidence thresholds required to predict the impact of this variant on BRCA1 protein function. In summary, the available evidence is currently insufficient to determine the role of this variant in disease. Therefore, it has been classified as a Variant of Uncertain Significance.

Women's Health and Genetics/Laboratory Corporation of America, LabCorp
Classification: Uncertain significance. Last evaluated: 2024-07-29. Review status: criteria provided, single submitter. Criteria: LabCorp Variant Classification Summary - May 2015. Collection method: clinical testing. Allele origin: germline.
Comment: Variant summary: BRCA1 c.434C>T (p.Pro145Leu) results in a non-conservative amino acid change in the encoded protein sequence. Three of five in-silico tools predict a benign effect of the variant on protein function. The variant was absent in 251074 control chromosomes. The available data on variant occurrences in the general population are insufficient to allow any conclusion about variant significance. To our knowledge, no occurrence of c.434C>T in individuals affected with Hereditary Breast And Ovarian Cancer Syndrome and no experimental evidence demonstrating its impact on protein function have been reported. ClinVar contains an entry for this variant (Variation ID: 279704). Based on the evidence outlined above, the variant was classified as uncertain significance.

Ambry Genetics
Classification: Uncertain significance for Hereditary cancer-predisposing syndrome. Last evaluated: 2024-07-24. Review status: criteria provided, single submitter. Criteria: Ambry Variant Classification Scheme 2023. Collection method: clinical testing. Allele origin: germline.
Comment: The p.P145L variant (also known as c.434C>T), located in coding exon 5 of the BRCA1 gene, results from a C to T substitution at nucleotide position 434. The proline at codon 145 is replaced by leucine, an amino acid with similar properties. This variant was not reported in population based cohorts in the following databases: Database of Single Nucleotide Polymorphisms (dbSNP), NHLBI Exome Sequencing Project (ESP), and 1000 Genomes Project. In the ESP, this variant was not observed in 6503 samples (13006 alleles) with coverage at this position. To date, this alteration has been detected with an allele frequency of approximately 0.0003% (greater than 300000 alleles tested) in our clinical cohort. This amino acid position is not well conserved in available vertebrate species. In addition, the in silico prediction for this alteration is inconclusive. Since supporting evidence is limited at this time, the clinical significance of this alteration remains unclear.

GeneDx
Classification: Uncertain significance. Last evaluated: 2016-03-22. Review status: criteria provided, single submitter. Criteria: GeneDx Variant Classification (06012015). Collection method: clinical testing. Allele origin: germline. Affected: yes.
Comment: This variant is denoted BRCA1 c.434C>T at the cDNA level, p.Pro145Leu (P145L) at the protein level, and results in the change of a Proline to a Leucine (CCT>CTT). Using alternate nomenclature, this variant would be defined as BRCA1 553C>T. This variant has not, to our knowledge, been published in the literature as pathogenic or benign. BRCA1 Pro145Leu was not observed in approximately 6,500 individuals of European and African American ancestry in the NHLBI Exome Sequencing Project, indicating it is not a common benign variant in these populations. Since Proline and Leucine differ in some properties, this is considered a semi-conservative amino acid substitution. BRCA1 Pro145Leu occurs at a position that is not conserved across species and is located within a region that binds BRD7 (Harte 2010). In silico analyses are inconsistent regarding the effect this variant may have on protein structure and function. Based on currently available information, it is unclear whether BRCA1 Pro145Leu is pathogenic or benign. We consider it to be a variant of uncertain significance.

NM_007294.4(BRCA1):c.434C>T (p.Pro145Leu)

Gene: BRCA1 (BRCA1 DNA repair associated; minus strand). Cytogenetic location: 17q21.31.
Variant type: single nucleotide variant.
Coding change: c.434C>T on transcript NM_007294.4 (MANE Select); coding-DNA position 434, C replaced by T.
Protein change: p.Pro145Leu; replaces proline 145 with leucine.
Molecular consequence: missense variant. On other transcripts: non-coding transcript variant (1).
Genome position (GRCh38, 1-based): chr17:43,104,129, G>A on the plus strand (C>T on the coding strand, the complement: BRCA1 is on the minus strand). VCF-style: chr17-43104129-G-A. GRCh37 (hg19) VCF-style: chr17-41256146-G-A.
Other names: c.434C>T, p.Pro145Leu (NM_001407970.1, NM_001407971.1, NM_001407977.1 and 165 more transcripts); c.224C>T, p.Pro75Leu (NM_001407896.1, NM_001407897.1, NM_001407904.1 and 58 more transcripts); c.425C>T, p.Pro142Leu (NM_001407646.1, NM_001407647.1, NM_001408408.1); c.356C>T, p.Pro119Leu (NM_001407653.1, NM_001407654.1, NM_001407655.1 and 21 more transcripts); c.293C>T, p.Pro98Leu (NM_001407692.1, NM_001407694.1, NM_001407695.1 and 99 more transcripts); c.53C>T, p.Pro18Leu (NM_001407965.1, NM_001407959.1, NM_001407960.1 and 4 more transcripts); c.302C>T, p.Pro101Leu (NM_001408451.1); short protein forms P145L, P98L, P101L, P75L, P142L, P119L, P18L.
Identifiers: ClinVar variation 279704 (VCV000279704.16), dbSNP rs886041143, ClinGen allele CA10601277.
Genomic context (GRCh38, chr17:43,104,129, plus strand): 5'-AGAAAAAAAAAAGAAAAGAAGAAGAAGAAGAAGAAGAAAACAAATGGTTTTACCAAGGAA[G>A]GATTTTCGGGTTCACTCTGTAGAAGTCTTTTGGCACGGTTTCTGTAGCCCATACTTTGGA-3'
Protein context (NP_009225.1, residues 135-155): KRLLQSEPEN[Pro145Leu]SLQETSLSVQ